The following is an entry in ClinVar:

ClinVar aggregate classification (germline): Uncertain significance. Review status: criteria provided, single submitter (1 of 4 stars). 2 submissions from 2 submitters: Uncertain significance (1). 1 of the submissions does not count toward it. Last evaluated 2025-07-24.

Conditions:
Hereditary fructosuria. Also called: ALDOB DEFICIENCY; ALDOLASE B DEFICIENCY; FRUCTOSE-1,6-BISPHOSPHATE ALDOLASE B DEFICIENCY; FRUCTOSE-1-PHOSPHATE ALDOLASE DEFICIENCY; FRUCTOSEMIA; Fructose intolerance. Identifiers: Orphanet 469, MedGen C0016751, MONDO:0009249, OMIM 229600, HP:0005973. Disease mechanism: loss of function.

Allele frequency attached by ClinVar (database versions not stated): gnomAD exomes below 0.00001.
gnomAD v4.1: 2 of 1,614,202 alleles (0.00012%); highest among the groups gnomAD compares: Non-Finnish European, 0.00017%; no homozygotes.

Submissions (2):

Women's Health and Genetics/Laboratory Corporation of America, LabCorp
Classification: Uncertain significance. Last evaluated: 2025-07-24. Review status: criteria provided, single submitter. Criteria: LabCorp Variant Classification Summary - May 2015. Collection method: clinical testing. Allele origin: germline.
Comment: Variant summary: ALDOB c.851T>C (p.Leu284Pro) results in a non-conservative amino acid change in the encoded protein sequence. Algorithms developed to predict the effect of missense changes on protein structure and function all suggest that this variant is likely to be disruptive. The variant was absent in 251014 control chromosomes. The available data on variant occurrences in the general population are insufficient to allow any conclusion about variant significance. c.851T>C has been observed in an individual affected with Hereditary fructosuria (Santer_2005). These data do not allow any conclusion about variant significance. To our knowledge, no experimental evidence demonstrating an impact on protein function has been reported. The following publication have been ascertained in the context of this evaluation (PMID: 15880727). ClinVar contains an entry for this variant (Variation ID: 1065857). Based on the evidence outlined above, the variant was classified as uncertain significance.

ATS em Genética Clínica, Universidade Federal do Rio Grande do Sul
Classification: Likely pathogenic for Hereditary fructosuria. Last evaluated: 2021-03-18. Review status: no assertion criteria provided. Collection method: literature only. Allele origin: unknown. Affected: yes. Not counted in ClinVar's aggregate classification.

Literature cited by the submitters: PubMed 15880727 (cited by Women's Health and Genetics/Laboratory Corporation of America, LabCorp and ATS em Genética Clínica, Universidade Federal do Rio Grande do Sul).

NM_000035.4(ALDOB):c.851T>C (p.Leu284Pro)

Gene: ALDOB (aldolase, fructose-bisphosphate B; minus strand). Cytogenetic location: 9q31.1.
Variant type: single nucleotide variant.
Coding change: c.851T>C on transcript NM_000035.4 (MANE Select); coding-DNA position 851, T replaced by C.
Protein change: p.Leu284Pro; replaces leucine 284 with proline.
Molecular consequence: missense variant.
Genome position (GRCh38, 1-based): chr9:101,424,991, A>G on the plus strand (T>C on the coding strand, the complement: ALDOB is on the minus strand). VCF-style: chr9-101424991-A-G. GRCh37 (hg19) VCF-style: chr9-104187273-A-G.
Other names: short protein forms L284P.
Identifiers: ClinVar variation 1065857 (VCV001065857.2), dbSNP rs2118342839, ClinGen allele CA374264489.